The following continues an entry in ClinVar:

NM_000350.3(ABCA4):c.6320G>A (p.Arg2107His)

Gene: ABCA4. ClinVar aggregate classification (germline): Pathogenic. Pathogenic (1).

Submissions 18 to 30 of 30:

Institute of Human Genetics, Univ. Regensburg, Univ. Regensburg
Classification: Likely pathogenic for Optic atrophy. Last evaluated: 2022-01-01. Review status: criteria provided, single submitter. Criteria: ACMG Guidelines, 2015. Collection method: clinical testing. Allele origin: germline. Affected: yes. Not counted in ClinVar's aggregate classification.

Institute of Human Genetics, Univ. Regensburg, Univ. Regensburg
Classification: Likely pathogenic for Retinal dystrophy. Last evaluated: 2022-01-01. Review status: criteria provided, single submitter. Criteria: ACMG Guidelines, 2015. Collection method: clinical testing. Allele origin: germline. Affected: yes. Not counted in ClinVar's aggregate classification.

Institute of Medical Genetics and Applied Genomics, University Hospital Tübingen
Classification: Likely pathogenic. Last evaluated: 2020-10-23. Review status: criteria provided, single submitter. Criteria: ACMG Guidelines, 2015. Collection method: clinical testing. Allele origin: germline. Inheritance: Unknown mechanism. Affected: yes. Not counted in ClinVar's aggregate classification.

Mendelics
Classification: Pathogenic for Severe early-childhood-onset retinal dystrophy. Last evaluated: 2019-05-28. Review status: criteria provided, single submitter. Criteria: Mendelics Assertion Criteria 2017. Collection method: clinical testing. Allele origin: unknown. Not counted in ClinVar's aggregate classification.

Institute of Human Genetics, Univ. Regensburg, Univ. Regensburg
Classification: Likely pathogenic for Severe early-childhood-onset retinal dystrophy. Last evaluated: 2016-01-01. Review status: criteria provided, single submitter. Criteria: Schulz et al. (Invest Ophthalmol Vis Sci. 2017). Collection method: clinical testing. Allele origin: germline. Affected: yes. Observed: 2 heterozygotes. Not counted in ClinVar's aggregate classification.

Eurofins Ntd Llc (ga)
Classification: Uncertain significance. Last evaluated: 2015-06-02. Review status: criteria provided, single submitter. Criteria: EGL Classification Definitions 2015. Collection method: clinical testing. Allele origin: germline. Observed: 4 variant alleles, 4 heterozygotes. Not counted in ClinVar's aggregate classification.

Clinical Genetics Service, Universitary Hospital 12 de Octubre
Classification: Pathogenic for Severe early-childhood-onset retinal dystrophy. Review status: criteria provided, single submitter. Criteria: ACMG Guidelines, 2015. Collection method: clinical testing. Allele origin: germline. Affected: yes. Not counted in ClinVar's aggregate classification.

Juno Genomics, Hangzhou Juno Genomics, Inc
Classification: Pathogenic for Severe early-childhood-onset retinal dystrophy. Review status: criteria provided, single submitter. Criteria: ACMG Guidelines, 2015. Collection method: clinical testing. Allele origin: germline. Affected: yes. Not counted in ClinVar's aggregate classification.
Comment: Multiple lines of computational evidence support a deleterious effect on the gene or gene product (conservation, evolutionary, splicing impact, etc).;For recessive disorders, detected in trans with a pathogenic variant.;Patient's phenotype or family history is highly specific for a disease with a single genetic etiology.;Co-segregation with disease in multiple affected family members in a gene definitively known to cause the disease.

NIHR Bioresource Rare Diseases, University of Cambridge
Classification: Likely pathogenic. Last evaluated: 2015-01-01. Review status: no assertion criteria provided. Collection method: research. Allele origin: unknown. Affected: yes. Observed: 1 variant allele. Not counted in ClinVar's aggregate classification.

NIHR Bioresource Rare Diseases, University of Cambridge
Classification: Likely pathogenic for Macular dystrophy. Last evaluated: 2015-01-01. Review status: no assertion criteria provided. Collection method: research. Allele origin: unknown. Affected: yes. Observed: 1 variant allele. Not counted in ClinVar's aggregate classification.

NEI Ophthalmic Genomics Laboratory, National Institutes of Health
No classification provided. Review status: no classification provided. Collection method: not provided. Allele origin: not provided. Not counted in ClinVar's aggregate classification.

Ophthalmo-Genetics Lab, Instituto de Oftalmologia Conde de Valenciana
Classification: Likely pathogenic for Severe early-childhood-onset retinal dystrophy. Review status: no assertion criteria provided. Collection method: research. Allele origin: germline. Inheritance: Autosomal recessive inheritance. Affected: yes. Not counted in ClinVar's aggregate classification.

Retina International
No classification provided. Review status: no classification provided. Collection method: not provided. Allele origin: unknown. Not counted in ClinVar's aggregate classification.

Literature cited by the submitters: PubMed 9781034 (cited by 6 submitters); PubMed 10458172 (cited by Labcorp Genetics (formerly Invitae), Labcorp and 3billion); PubMed 19243736 (cited by Labcorp Genetics (formerly Invitae), Labcorp); PubMed 24011517 (cited by 5 submitters); PubMed 25066811 (cited by 6 submitters); PubMed 25283059 (cited by Labcorp Genetics (formerly Invitae), Labcorp and Institute of Human Genetics, Univ. Regensburg, Univ. Regensburg); PubMed 28118664 (cited by Labcorp Genetics (formerly Invitae), Labcorp); PubMed 28446513 (cited by Labcorp Genetics (formerly Invitae), Labcorp and 3billion); PubMed 28559085 (cited by 4 submitters); PubMed 29925512 (cited by Labcorp Genetics (formerly Invitae), Labcorp and Institute of Human Genetics, Univ. Regensburg, Univ. Regensburg); PubMed 30060493 (cited by Labcorp Genetics (formerly Invitae), Labcorp); PubMed 32307445 (cited by Labcorp Genetics (formerly Invitae), Labcorp and Institute of Human Genetics, Univ. Regensburg, Univ. Regensburg); PubMed 32619608 (cited by 3 submitters); PubMed 11017087 (cited by Labcorp Genetics (formerly Invitae), Labcorp and Variantyx, Inc.); PubMed 11527935 (cited by Labcorp Genetics (formerly Invitae), Labcorp and 3billion); PubMed 23755871 (cited by Labcorp Genetics (formerly Invitae), Labcorp); PubMed 24097981 (cited by Labcorp Genetics (formerly Invitae), Labcorp); PubMed 29310964 (cited by Labcorp Genetics (formerly Invitae), Labcorp); PubMed 30718709 (cited by Labcorp Genetics (formerly Invitae), Labcorp); PubMed 32845050 (cited by 3 submitters); PubMed 39162841 (cited by Variantyx, Inc.); PubMed 34874912 (cited by Women's Health and Genetics/Laboratory Corporation of America, LabCorp); PubMed 30093795 (cited by Laboratory for Molecular Medicine, Mass General Brigham Personalized Medicine and Institute of Human Genetics, Univ. Regensburg, Univ. Regensburg); PubMed 22025579 (cited by Institute of Human Genetics, Univ. Regensburg, Univ. Regensburg); PubMed 22264887 (cited by Institute of Human Genetics, Univ. Regensburg, Univ. Regensburg); PubMed 22995991 (cited by Institute of Human Genetics, Univ. Regensburg, Univ. Regensburg); PubMed 26780318 (cited by Institute of Human Genetics, Univ. Regensburg, Univ. Regensburg); PubMed 29555955 (cited by Institute of Human Genetics, Univ. Regensburg, Univ. Regensburg); PubMed 33261146 (cited by Institute of Human Genetics, Univ. Regensburg, Univ. Regensburg); PubMed 32581362 (cited by Institute of Human Genetics, Univ. Regensburg, Univ. Regensburg); PubMed 34073554 (cited by Institute of Human Genetics, Univ. Regensburg, Univ. Regensburg); PubMed 34426522 (cited by Institute of Human Genetics, Univ. Regensburg, Univ. Regensburg); PubMed 33691693 (cited by Institute of Human Genetics, Univ. Regensburg, Univ. Regensburg); PubMed 33301772 (cited by Institute of Human Genetics, Univ. Regensburg, Univ. Regensburg); PubMed 35119454 (cited by Institute of Human Genetics, Univ. Regensburg, Univ. Regensburg); PubMed 36460718 (cited by Institute of Human Genetics, Univ. Regensburg, Univ. Regensburg); PubMed 35456422 (cited by Institute of Human Genetics, Univ. Regensburg, Univ. Regensburg); PubMed 28041643 (cited by NIHR Bioresource Rare Diseases, University of Cambridge).